The following is an entry in ClinVar:

NM_000478.6(ALPL):c.1381G>A (p.Val461Ile)

Gene: ALPL (alkaline phosphatase, biomineralization associated; plus strand). Cytogenetic location: 1p36.12.
Variant type: single nucleotide variant.
Coding change: c.1381G>A on transcript NM_000478.6 (MANE Select); coding-DNA position 1381, G replaced by A.
Protein change: p.Val461Ile; replaces valine 461 with isoleucine.
Molecular consequence: missense variant.
Genome position (GRCh38, 1-based): chr1:21,577,454, G>A. VCF-style: chr1-21577454-G-A. GRCh37 (hg19) VCF-style: chr1-21903947-G-A.
Other names: p.Val461Ile; c.1216G>A, p.Val406Ile (NM_001127501.4); c.1150G>A, p.Val384Ile (NM_001177520.3); c.1381G>A, p.Val461Ile (NM_001369803.2, NM_001369804.2, NM_001369805.2); short protein forms V461I, V406I, V384I.
Identifiers: ClinVar variation 295552 (VCV000295552.34), dbSNP rs34810399, ClinGen allele CA666839.

ClinVar aggregate classification (germline): Benign/Likely benign. Review status: criteria provided, multiple submitters, no conflicts (2 of 4 stars). 13 submissions from 13 submitters: Benign (7); Likely benign (4). 2 of the submissions do not count toward it. Last evaluated 2026-02-04.

Conditions:
Hypophosphatasia. Also called: Phosphoethanol-aminuria. Identifiers: Orphanet 436, MedGen C0020630, MeSH D007014, MONDO:0018570.
Osteogenesis imperfecta (OI). Identifiers: Orphanet 666, MedGen C0029434, MeSH D010013, MONDO:0019019.
ALPL-related disorder. Also called: ALPL-related disorders; ALPL-related condition.

Allele frequency attached by ClinVar (database versions not stated): gnomAD exomes 0.00076 and 0.00203; ExAC 0.00231; 1000 Genomes Project 0.00719; ESP Exome Variant Server 0.00777; gnomAD 0.00801 and 0.00860; 1000 Genomes Project 30x 0.00828; TOPMed 0.00855.

Submissions (13):

Labcorp Genetics (formerly Invitae), Labcorp
Classification: Benign. Last evaluated: 2026-02-04. Review status: criteria provided, single submitter. Criteria: Invitae Variant Classification Sherloc (09022015). Collection method: clinical testing. Allele origin: germline.

Genomenon, Inc
Classification: Benign for Hypophosphatasia. Last evaluated: 2025-08-29. Review status: criteria provided, single submitter. Criteria: Genomenon Sequence Variant Interpretation Standards. Collection method: curation. Allele origin: germline. Affected: no.
Comment: ALPL c.1381G>A is a missense variant that changes the amino acid at residue 461 from Valine to Isoleucine. This variant has been reported in the published literature (PMID:21956185;34011663;26432670;29236161). This variant is present at high allele frequency in population databases. In conclusion, we classify ALPL p.Val461Ile (c.1381G>A) as a benign variant.

Mayo Clinic Laboratories, Mayo Clinic
Classification: Benign. Last evaluated: 2025-04-22. Review status: criteria provided, single submitter. Criteria: ACMG Guidelines, 2015. Collection method: clinical testing. Allele origin: germline. Observed: 3 variant alleles.
Comment: BS1, BS2, BS3_supporting

JKU Lab, Dept of Paediatrics, Johannes Kepler University
Classification: Likely benign for Hypophosphatasia. Last evaluated: 2024-04-09. Review status: criteria provided, single submitter. Criteria: ACMG Guidelines, 2015. Collection method: clinical testing. Allele origin: germline. Affected: yes.
Comment: The variant is present in GnomAD, with a reported frequency of 2.716% (f = 0.02716) in the African/African American population and an overall frequency of 0.0806% (f = 0.000806). The ACMG criteria applied can be looked up in the ALPL gene variant database.

ARUP Laboratories, Molecular Genetics and Genomics, ARUP Laboratories
Classification: Benign. Last evaluated: 2023-10-11. Review status: criteria provided, single submitter. Criteria: ARUP Molecular Germline Variant Investigation Process 2024. Collection method: clinical testing. Allele origin: germline.

Women's Health and Genetics/Laboratory Corporation of America, LabCorp
Classification: Benign. Last evaluated: 2022-05-04. Review status: criteria provided, single submitter. Criteria: LabCorp Variant Classification Summary - May 2015. Collection method: clinical testing. Allele origin: germline.
Comment: Variant summary: ALPL c.1381G>A (p.Val461Ile) results in a conservative amino acid change in the encoded protein sequence. Four of five in-silico tools predict a benign effect of the variant on protein function. The variant allele was found at a frequency of 0.0027 in 276070 control chromosomes (gnomAD v2.1), predominantly at a frequency of 0.028 within the African or African-American subpopulation, including 11 homozygotes. The observed variant frequency within African or African-American control individuals in the gnomAD database is approximately 8 fold of the estimated maximal expected allele frequency for a pathogenic variant in ALPL causing Hypophosphatasia phenotype (0.0035), strongly suggesting that the variant is a benign polymorphism found primarily in populations of African or African-American origin. At least one publication reports experimental evidence evaluating an impact on protein function, showing that the variant protein had 80% residual activity compared to the wild type (del Angel_2020). Six ClinVar submitters have assessed the variant since 2014: one classified the variant as likely benign and five as benign. Based on the evidence outlined above, the variant was classified as benign.

Genome Diagnostics Laboratory, The Hospital for Sick Children
Classification: Likely benign for Osteogenesis imperfecta. Last evaluated: 2021-01-08. Review status: criteria provided, single submitter. Criteria: ACMG Guidelines, 2015. Collection method: clinical testing. Allele origin: germline.

Athena Diagnostics
Classification: Benign. Last evaluated: 2018-03-05. Review status: criteria provided, single submitter. Criteria: Athena Diagnostics Criteria. Collection method: clinical testing. Allele origin: germline.

Illumina Laboratory Services, Illumina
Classification: Benign for Hypophosphatasia. Last evaluated: 2018-01-13. Review status: criteria provided, single submitter. Criteria: ICSL Variant Classification Criteria 13 December 2019. Collection method: clinical testing. Allele origin: germline.
Comment: This variant was observed in the ICSL laboratory as part of a predisposition screen in an ostensibly healthy population. It had not been previously curated by ICSL or reported in the Human Gene Mutation Database (HGMD: prior to June 1st, 2018), and was therefore a candidate for classification through an automated scoring system. Utilizing variant allele frequency, disease prevalence and penetrance estimates, and inheritance mode, an automated score was calculated to assess if this variant is too frequent to cause the disease. Based on the score and internal cut-off values, a variant classified as benign is not then subjected to further curation. The score for this variant resulted in a classification of benign for this disease.

Center for Pediatric Genomic Medicine, Children's Mercy Hospital and Clinics
Classification: Likely benign. Last evaluated: 2017-08-31. Review status: criteria provided, single submitter. Criteria: ACMG Guidelines, 2015. Collection method: clinical testing. Allele origin: germline.

Breakthrough Genomics
Classification: Likely benign. Review status: criteria provided, single submitter. Criteria: ACMG Guidelines, 2015. Collection method: not provided. Allele origin: germline. Inheritance: Autosomal recessive inheritance. Affected: yes.

PreventionGenetics, part of Exact Sciences
Classification: Likely benign for ALPL-related condition. Last evaluated: 2021-10-25. Review status: no assertion criteria provided. Collection method: clinical testing. Allele origin: germline. Not counted in ClinVar's aggregate classification.
Comment: This variant is classified as likely benign based on ACMG/AMP sequence variant interpretation guidelines (Richards et al. 2015 PMID: 25741868, with internal and published modifications).

Natera, Inc.
Classification: Benign for Hypophosphatasia. Last evaluated: 2020-01-10. Review status: no assertion criteria provided. Collection method: clinical testing. Allele origin: germline. Not counted in ClinVar's aggregate classification.

Literature cited by the submitters: PubMed 21956185 (cited by 3 submitters); PubMed 34011663 (cited by Genomenon, Inc); PubMed 26432670 (cited by 4 submitters); PubMed 29236161 (cited by Genomenon, Inc and Athena Diagnostics); PubMed 32160374 (cited by Mayo Clinic Laboratories, Mayo Clinic and Women's Health and Genetics/Laboratory Corporation of America, LabCorp).